The following is an entry in ClinVar:

NM_017617.5(NOTCH1):c.6181-7C>T

Gene: NOTCH1 (notch receptor 1; minus strand). Cytogenetic location: 9q34.3.
Variant type: single nucleotide variant.
Coding change: c.6181-7C>T on transcript NM_017617.5 (MANE Select); 7 bases into the intron before coding-DNA position 6181, C replaced by T.
Molecular consequence: intron variant.
Genome position (GRCh38, 1-based): chr9:136,497,565, G>A on the plus strand (C>T on the coding strand, the complement: NOTCH1 is on the minus strand). VCF-style: chr9-136497565-G-A. GRCh37 (hg19) VCF-style: chr9-139392017-G-A.
Other names: c.6181-7C>T (LRG_1122t1).
Identifiers: ClinVar variation 509155 (VCV000509155.1), dbSNP rs1283606239, ClinGen allele CA658797363.

ClinVar aggregate classification (germline): Likely benign (1 of 4 stars; one submission).

Allele frequency attached by ClinVar (database versions not stated): TOPMed below 0.00001.

Submission:

GeneDx
Classification: Likely benign. Last evaluated: 2017-04-25. Review status: criteria provided, single submitter. Criteria: GeneDx Variant Classification (06012015). Collection method: clinical testing. Allele origin: germline. Affected: yes.
Comment: This variant is considered likely benign or benign based on one or more of the following criteria: it is a conservative change, it occurs at a poorly conserved position in the protein, it is predicted to be benign by multiple in silico algorithms, and/or has population frequency not consistent with disease.